The following is an entry in ClinVar:

ClinVar aggregate classification (germline): Uncertain significance (1 of 4 stars; one submission).

gnomAD v4.1: 1 of 1,613,932 alleles (0.000062%); highest among the groups gnomAD compares: African/African-American, 0.0013%; no homozygotes.

Submission:

GeneDx
Classification: Uncertain significance. Last evaluated: 2026-03-15. Review status: criteria provided, single submitter. Criteria: GeneDx Variant Classification Process June 2021. Collection method: clinical testing. Allele origin: germline.
Comment: Not observed at significant frequency in large population cohorts (gnomAD); In silico analysis suggests that this missense variant does not alter protein structure/function; Has not been previously published as pathogenic or benign to our knowledge

NM_001282531.3(ADNP):c.1165C>G (p.Pro389Ala)

Gene: ADNP (activity dependent neuroprotector homeobox; minus strand). Cytogenetic location: 20q13.13.
Variant type: single nucleotide variant.
Coding change: c.1165C>G on transcript NM_001282531.3 (MANE Select); coding-DNA position 1165, C replaced by G.
Protein change: p.Pro389Ala; replaces proline 389 with alanine.
Molecular consequence: missense variant.
Genome position (GRCh38, 1-based): chr20:50,893,549, G>C on the plus strand (C>G on the coding strand, the complement: ADNP is on the minus strand). VCF-style: chr20-50893549-G-C. GRCh37 (hg19) VCF-style: chr20-49510086-G-C.
Other names: c.1165C>G, p.Pro389Ala (NM_001282532.2, NM_001347511.2, NM_015339.5 and 1 more transcripts); c.1381C>G, p.Pro461Ala (NM_001439000.1); c.481C>G, p.Pro161Ala (NM_001439001.1); short protein forms P389A, P461A, P161A.
Identifiers: ClinVar variation 5009248 (VCV005009248.1).